The following is an entry in ClinVar:

NM_181882.3(PRX):c.2558C>T (p.Thr853Ile)

Gene: PRX (periaxin; minus strand). Cytogenetic location: 19q13.2.
Variant type: single nucleotide variant.
Coding change: c.2558C>T on transcript NM_181882.3 (MANE Select); coding-DNA position 2558, C replaced by T.
Protein change: p.Thr853Ile; replaces threonine 853 with isoleucine.
Molecular consequence: missense variant. On other transcripts: 3 prime UTR variant (1).
Genome position (GRCh38, 1-based): chr19:40,395,794, G>A on the plus strand (C>T on the coding strand, the complement: PRX is on the minus strand). VCF-style: chr19-40395794-G-A. GRCh37 (hg19) VCF-style: chr19-40901701-G-A.
Other names: c.*2763C>T (NM_020956.2); short protein forms T853I.
Identifiers: ClinVar variation 1484816 (VCV001484816.8), dbSNP rs2079428604, ClinGen allele CA405896035.

ClinVar aggregate classification (germline): Uncertain significance (1 of 4 stars; one submission).

Conditions:
Charcot-Marie-Tooth disease type 4. Also called: Charcot-Marie-Tooth, Type 4; Charcot-Marie-Tooth disease, type IV. Identifiers: Orphanet 64749, MedGen C4082197, MONDO:0018995.

Allele frequency attached by ClinVar (database versions not stated): gnomAD exomes below 0.00001; gnomAD 0.00001; TOPMed 0.00001.
gnomAD v4.1: 2 of 1,614,080 alleles (0.00012%); highest among the groups gnomAD compares: African/African-American, 0.0013%; no homozygotes.

Submission:

Labcorp Genetics (formerly Invitae), Labcorp
Classification: Uncertain significance for Charcot-Marie-Tooth disease type 4. Last evaluated: 2023-08-04. Review status: criteria provided, single submitter. Criteria: Invitae Variant Classification Sherloc (09022015). Collection method: clinical testing. Allele origin: germline.
Comment: This sequence change replaces threonine, which is neutral and polar, with isoleucine, which is neutral and non-polar, at codon 853 of the PRX protein (p.Thr853Ile). In summary, the available evidence is currently insufficient to determine the role of this variant in disease. Therefore, it has been classified as a Variant of Uncertain Significance. Advanced modeling of protein sequence and biophysical properties (such as structural, functional, and spatial information, amino acid conservation, physicochemical variation, residue mobility, and thermodynamic stability) performed at Invitae indicates that this missense variant is not expected to disrupt PRX protein function. ClinVar contains an entry for this variant (Variation ID: 1484816). This variant has not been reported in the literature in individuals affected with PRX-related conditions. This variant is not present in population databases (gnomAD no frequency).